The following is an entry in ClinVar:

NM_006494.4(ERF):c.194G>A (p.Arg65Gln)

Gene: ERF (ETS2 repressor factor; minus strand). Cytogenetic location: 19q13.2.
Variant type: single nucleotide variant.
Coding change: c.194G>A on transcript NM_006494.4 (MANE Select); coding-DNA position 194, G replaced by A.
Protein change: p.Arg65Gln; replaces arginine 65 with glutamine.
Molecular consequence: missense variant. On other transcripts: 5 prime UTR variant (3).
Genome position (GRCh38, 1-based): chr19:42,250,394, C>T on the plus strand (G>A on the coding strand, the complement: ERF is on the minus strand). VCF-style: chr19-42250394-C-T. GRCh37 (hg19) VCF-style: chr19-42754546-C-T.
Other names: c.-32G>A (NM_001301035.2, NM_001308402.2, NM_001312656.2); short protein forms R65Q.
Identifiers: ClinVar variation 55926 (VCV000055926.31), dbSNP rs587777009, ClinGen allele CA249532.

ClinVar aggregate classification (germline): Conflicting classifications of pathogenicity. Review status: criteria provided, conflicting classifications (1 of 4 stars). 5 submissions from 5 submitters: Likely pathogenic (1); Uncertain significance (3). 1 of the submissions does not count toward it. Last evaluated 2026-08-06.

Conditions:
Chitayat syndrome (CHYTS). Identifiers: MedGen C4310679, MONDO:0014956, OMIM 617180.
Lambdoidal craniosynostosis. Identifiers: MedGen C1833340, HP:0004443.
TWIST1-related craniosynostosis (CRS1). Also called: CRANIOSYNOSTOSIS 1. Identifiers: Orphanet 63440, MedGen C4551902, MONDO:0007399, OMIM 123100. Inheritance: Heterogenous inheritance pattern.

Submissions (5):

OLLIN Analises Genomicas, OLLIN
Classification: Uncertain significance for Chitayat syndrome. Last evaluated: 2026-08-06. Review status: criteria provided, single submitter. Criteria: ACMG Guidelines 2015 PMID 25741868. Collection method: clinical testing. Allele origin: germline. Inheritance: Autosomal dominant inheritance.
Comment: This missense variant, located in exon 2 (of 4), is absent from gnomAD and has not been identified in the literature. However, it has been reported in ClinVar (accession VCV000055926.29). In silico analysis is inconclusive regarding the impact of this variant. This variant is located in a region considered to be a mutational hotspot. According to the currently available evidence, this variant has been classified as uncertain significance (PS4_M, PM1, PM2_P).

CeGaT Center for Human Genetics Tuebingen
Classification: Likely pathogenic. Last evaluated: 2024-06-01. Review status: criteria provided, single submitter. Criteria: CeGaT Center For Human Genetics Tuebingen Variant Classification Criteria Version 2. Collection method: clinical testing. Allele origin: germline. Affected: yes. Observed: 4 variant alleles.
Comment: ERF: PM1, PM2, PS4:Moderate, PP1, PS3:Supporting

Labcorp Genetics (formerly Invitae), Labcorp
Classification: Uncertain significance for TWIST1-related craniosynostosis. Last evaluated: 2023-12-30. Review status: criteria provided, single submitter. Criteria: Invitae Variant Classification Sherloc (09022015). Collection method: clinical testing. Allele origin: germline.
Comment: This sequence change replaces arginine, which is basic and polar, with glutamine, which is neutral and polar, at codon 65 of the ERF protein (p.Arg65Gln). This variant is not present in population databases (gnomAD no frequency). This missense change has been observed in individual(s) with craniosynostosis (PMID: 23354439, 29215649). This missense change has been observed in at least one individual who was not affected with ERF-related conditions (Invitae). ClinVar contains an entry for this variant (Variation ID: 55926). Advanced modeling of protein sequence and biophysical properties (such as structural, functional, and spatial information, amino acid conservation, physicochemical variation, residue mobility, and thermodynamic stability) performed at Invitae indicates that this missense variant is expected to disrupt ERF protein function with a positive predictive value of 80%. In summary, the available evidence is currently insufficient to determine the role of this variant in disease. Therefore, it has been classified as a Variant of Uncertain Significance.

Greenwood Genetic Center Diagnostic Laboratories, Greenwood Genetic Center
Classification: Uncertain significance. Last evaluated: 2023-07-05. Review status: criteria provided, single submitter. Criteria: ACMG Guidelines, 2015. Collection method: clinical testing. Allele origin: germline. Affected: yes.
Comment: PS4_Supporting, PM2, PM6, PP3

OMIM
Classification: Pathogenic for CRANIOSYNOSTOSIS 4. Last evaluated: 2013-03-01. Review status: no assertion criteria provided. Collection method: literature only. Allele origin: germline. Not counted in ClinVar's aggregate classification.

Literature cited by the submitters: PubMed 23354439 (cited by Labcorp Genetics (formerly Invitae), Labcorp and OMIM); PubMed 29215649 (cited by Labcorp Genetics (formerly Invitae), Labcorp).